The following is an entry in ClinVar:

ClinVar aggregate classification (germline): Likely benign (0 of 4 stars; one submission).

Conditions:
SCARF2-related disorder. Also called: SCARF2-related condition.

Allele frequency attached by ClinVar (database versions not stated): TOPMed below 0.00001; gnomAD 0.00001.
gnomAD v4.1: 5 of 1,534,692 alleles (0.00033%); highest among the groups gnomAD compares: Admixed American, 0.002%; no homozygotes.

Submission:

PreventionGenetics, part of Exact Sciences
Classification: Likely benign for SCARF2-related condition. Last evaluated: 2019-07-30. Review status: no assertion criteria provided. Collection method: clinical testing. Allele origin: germline.
Comment: This variant is classified as likely benign based on ACMG/AMP sequence variant interpretation guidelines (Richards et al. 2015 PMID: 25741868, with internal and published modifications).

NM_182895.5(SCARF2):c.1713G>A (p.Arg571=)

Gene: SCARF2 (scavenger receptor class F member 2; minus strand). Cytogenetic location: 22q11.21.
Variant type: single nucleotide variant.
Coding change: c.1713G>A on transcript NM_182895.5 (MANE Select); coding-DNA position 1713, G replaced by A.
Protein change: p.Arg571=; no amino-acid change (arginine 571 retained).
Molecular consequence: synonymous variant.
Genome position (GRCh38, 1-based): chr22:20,426,263, C>T on the plus strand (G>A on the coding strand, the complement: SCARF2 is on the minus strand). VCF-style: chr22-20426263-C-T. GRCh37 (hg19) VCF-style: chr22-20780550-C-T.
Other names: c.1728G>A, p.Arg576= (NM_153334.7).
Identifiers: ClinVar variation 3034833 (VCV003034833.2), dbSNP rs1005655055, ClinGen allele CA322182858.
Genomic context (GRCh38, chr22:20,426,263, plus strand): 5'-GGTCAAGGGCACAGGGGACGGCGCCGGCGCCTCGGCAGGGACAGTGGGGACTTCGGGGTC[C>T]CGGCTCTCCGCTGGTGCCTCTGGCAAGGGAAGAGCAGGGCGGTCACAGCCTTCAGGAATA-3'
Protein context (NP_878315.2, residues 561-581): VPHEEAPAES[Arg571=]DPEVPTVPAE